The following is an entry in ClinVar:

ClinVar aggregate classification (germline): Uncertain significance (0 of 4 stars; one submission).

Conditions:
RFX6-related disorder. Also called: RFX6-related condition.

gnomAD v4.1: 6 of 1,612,628 alleles (0.00037%); highest among the groups gnomAD compares: Non-Finnish European, 0.00051%; no homozygotes.

Submission:

PreventionGenetics, part of Exact Sciences
Classification: Uncertain significance for RFX6-related condition. Last evaluated: 2024-09-15. Review status: no assertion criteria provided. Collection method: clinical testing. Allele origin: germline.
Comment: The RFX6 c.424C>T variant is predicted to result in the amino acid substitution p.Arg142Trp. To our knowledge, this variant has not been reported in the literature. This variant is reported in 0.00088% of alleles in individuals of European (Non-Finnish) descent in gnomAD. At this time, the clinical significance of this variant is uncertain due to the absence of conclusive functional and genetic evidence.

NM_173560.4(RFX6):c.424C>T (p.Arg142Trp)

Gene: RFX6 (regulatory factor X6; plus strand). Cytogenetic location: 6q22.1.
Variant type: single nucleotide variant.
Coding change: c.424C>T on transcript NM_173560.4 (MANE Select); coding-DNA position 424, C replaced by T.
Protein change: p.Arg142Trp; replaces arginine 142 with tryptophan.
Molecular consequence: missense variant.
Genome position (GRCh38, 1-based): chr6:116,880,587, C>T. VCF-style: chr6-116880587-C-T. GRCh37 (hg19) VCF-style: chr6-117201750-C-T.
Other names: short protein forms R142W.
Identifiers: ClinVar variation 3358606 (VCV003358606.1).